The following is an entry in ClinVar:

ClinVar aggregate classification (germline): Pathogenic (1 of 4 stars; one submission).

Conditions:
Polycystic kidney disease, adult type (PKD1). Also called: Polycystic Kidney Disease 1, Autosomal Dominant; POLYCYSTIC KIDNEY DISEASE, ADULT, TYPE I; Polycystic kidney disease 1; Polycystic kidney disease 1, severe; POLYCYSTIC KIDNEY DISEASE 1 WITH OR WITHOUT POLYCYSTIC LIVER DISEASE; Polycystic Kidney, Autosomal Dominant. Identifiers: MedGen C3149841, MONDO:0008263, OMIM 173900.

Submission:

Juno Genomics, Hangzhou Juno Genomics, Inc
Classification: Pathogenic for Polycystic kidney disease, adult type. Review status: criteria provided, single submitter. Criteria: ACMG Guidelines, 2015. Collection method: clinical testing. Allele origin: germline.
Comment: Absent from controls (or at extremely low frequency if recessive) in Genome Aggregation Database.;Null variant in a gene where loss of function (LOF) is a known mechanism of disease.;Patient's phenotype or family history is highly specific for a disease with a single genetic etiology.

NM_001009944.3(PKD1):c.10717_10718del (p.Ser3573fs)

Genes: PKD1 (polycystin 1, transient receptor potential channel interacting; minus strand), PKD1-AS1 (PKD1 antisense RNA 1; plus strand). Cytogenetic location: 16p13.3.
Variant type: Microsatellite.
Coding change: c.10717_10718del on transcript NM_001009944.3 (MANE Select); coding-DNA positions 10717 to 10718, 2 bases deleted (TC; older notation c.10717_10718delTC).
Protein change: p.Ser3573fs; shifts the reading frame from serine 3573.
Molecular consequence: frameshift variant.
Genome position (GRCh38, 1-based): chr16:2,093,914-2,093,915, GA deleted on the plus strand (TC on the coding strand, the reverse complement: PKD1 is on the minus strand); deleting any 2 consecutive bases within chr16:2,093,914-2,093,917 gives the same sequence; the c. name uses the placement nearest the transcript's 3' end. VCF-style (leftmost placement, unchanged base first): chr16-2093913-TGA-T. GRCh37 (hg19) VCF-style: chr16-2143914-TGA-T.
Other names: c.10714_10715del, p.Ser3572fs (NM_000296.4); short protein forms S3572fs, S3573fs.
Identifiers: ClinVar variation 5019853 (VCV005019853.2).